The following is an entry in ClinVar:

ClinVar aggregate classification (germline): Uncertain significance. Review status: criteria provided, multiple submitters, no conflicts (2 of 4 stars). 2 submissions from 2 submitters: Uncertain significance (2). Last evaluated 2025-11-25.

Conditions:
Cardiovascular phenotype. Identifiers: MedGen CN230736.

Allele frequency attached by ClinVar (database versions not stated): gnomAD 0.00002; TOPMed 0.00002; ESP Exome Variant Server 0.00008.
gnomAD v4.1: 5 of 1,558,144 alleles (0.00032%); highest among the groups gnomAD compares: African/African-American, 0.0056%; no homozygotes.

Submissions (2):

Labcorp Genetics (formerly Invitae), Labcorp
Classification: Uncertain significance. Last evaluated: 2025-11-25. Review status: criteria provided, single submitter. Criteria: Invitae Variant Classification Sherloc (09022015). Collection method: clinical testing. Allele origin: germline.
Comment: This sequence change replaces glutamic acid, which is acidic and polar, with lysine, which is basic and polar, at codon 441 of the TNNI3K protein (p.Glu441Lys). This variant is present in population databases (rs150585536, gnomAD 0.005%). This variant has not been reported in the literature in individuals affected with TNNI3K-related conditions. ClinVar contains an entry for this variant (Variation ID: 1518368). An algorithm developed to predict the effect of missense changes on protein structure and function (PolyPhen-2) suggests that this variant is likely to be tolerated. Algorithms developed to predict the effect of sequence changes on RNA splicing suggest that this variant may disrupt the consensus splice site. In summary, the available evidence is currently insufficient to determine the role of this variant in disease. Therefore, it has been classified as a Variant of Uncertain Significance.

Molecular Diagnostic Laboratory for Inherited Cardiovascular Disease, Montreal Heart Institute
Classification: Uncertain significance for Cardiovascular phenotype. Last evaluated: 2025-04-09. Review status: criteria provided, single submitter. Criteria: ACMG Guidelines, 2015. Collection method: clinical testing. Allele origin: germline. Affected: yes.
Comment: PVS1_mod, PM2

NM_015978.3(TNNI3K):c.1321G>A (p.Glu441Lys)

Genes: FPGT-TNNI3K (FPGT-TNNI3K readthrough; plus strand), TNNI3K (TNNI3 interacting kinase; plus strand). Cytogenetic location: 1p31.1.
Variant type: single nucleotide variant.
Coding change: c.1321G>A on transcript NM_015978.3 (MANE Select); coding-DNA position 1321, G replaced by A.
Protein change: p.Glu441Lys; replaces glutamic acid 441 with lysine.
Molecular consequence: missense variant.
Genome position (GRCh38, 1-based): chr1:74,367,964, G>A. VCF-style: chr1-74367964-G-A. GRCh37 (hg19) VCF-style: chr1-74833648-G-A.
Other names: c.1624G>A, p.Glu542Lys (NM_001112808.3, NM_001199327.2); c.1321G>A (NM_015978.2); short protein forms E441K, E542K.
Identifiers: ClinVar variation 1518368 (VCV001518368.7), dbSNP rs150585536, ClinGen allele CA24543655.